The following is an entry in ClinVar:

ClinVar aggregate classification (germline): Uncertain significance. Review status: criteria provided, multiple submitters, no conflicts (2 of 4 stars). 2 submissions from 2 submitters: Uncertain significance (2). Last evaluated 2025-06-03.

Conditions:
Progressive myoclonic epilepsy type 8. Identifiers: Orphanet 424027, MedGen C5190825, MONDO:0014545, OMIM 616230.

gnomAD v4.1: 17 of 1,554,150 alleles (0.0011%); highest among the groups gnomAD compares: South Asian, 0.02%; no homozygotes.

Submissions (2):

Ambry Genetics
Classification: Uncertain significance. Last evaluated: 2025-06-03. Review status: criteria provided, single submitter. Criteria: Ambry Variant Classification Scheme 2023. Collection method: clinical testing. Allele origin: germline.

Labcorp Genetics (formerly Invitae), Labcorp
Classification: Uncertain significance for Progressive myoclonic epilepsy type 8. Last evaluated: 2022-02-06. Review status: criteria provided, single submitter. Criteria: Invitae Variant Classification Sherloc (09022015). Collection method: clinical testing. Allele origin: germline.
Comment: This sequence change replaces arginine, which is basic and polar, with leucine, which is neutral and non-polar, at codon 234 of the CERS1 protein (p.Arg234Leu). The frequency data for this variant in the population databases is considered unreliable, as metrics indicate poor data quality at this position in the gnomAD database. This variant has not been reported in the literature in individuals affected with CERS1-related conditions. ClinVar contains an entry for this variant (Variation ID: 1009837). Algorithms developed to predict the effect of missense changes on protein structure and function (SIFT, PolyPhen-2, Align-GVGD) all suggest that this variant is likely to be tolerated. In summary, the available evidence is currently insufficient to determine the role of this variant in disease. Therefore, it has been classified as a Variant of Uncertain Significance.

NM_021267.5(CERS1):c.701G>T (p.Arg234Leu)

Genes: CERS1 (ceramide synthase 1; minus strand), GDF1 (growth differentiation factor 1; minus strand). Cytogenetic location: 19p13.11.
Variant type: single nucleotide variant.
Coding change: c.701G>T on transcript NM_021267.5 (MANE Select); coding-DNA position 701, G replaced by T.
Protein change: p.Arg234Leu; replaces arginine 234 with leucine.
Molecular consequence: missense variant. On other transcripts: 5 prime UTR variant (1), intron variant (1).
Genome position (GRCh38, 1-based): chr19:18,880,325, C>A on the plus strand (G>T on the coding strand, the complement: CERS1 is on the minus strand). VCF-style: chr19-18880325-C-A. GRCh37 (hg19) VCF-style: chr19-18991134-C-A.
Other names: c.407G>T, p.Arg136Leu (NM_001290265.2, NM_001387442.1, NM_001387443.1 and 2 more transcripts); c.701G>T, p.Arg234Leu (NM_001387439.1, NM_001387440.1, NM_198207.3); c.656G>T, p.Arg219Leu (NM_001387441.1); c.-622G>T (NM_001492.6); c.-313+3762G>T (NM_001387438.1); c.701G>T (NM_021267.3); short protein forms R136L, R234L, R219L.
Identifiers: ClinVar variation 1009837 (VCV001009837.9), dbSNP rs369297915, ClinGen allele CA9318175.